The following is an entry in ClinVar:

NM_013275.6(ANKRD11):c.6212C>G (p.Ser2071Ter)

Gene: ANKRD11 (ankyrin repeat domain 11; minus strand). Cytogenetic location: 16q24.3.
Variant type: single nucleotide variant.
Coding change: c.6212C>G on transcript NM_013275.6 (MANE Select); coding-DNA position 6212, C replaced by G.
Protein change: p.Ser2071Ter; replaces serine 2071 with a stop codon.
Molecular consequence: nonsense.
Genome position (GRCh38, 1-based): chr16:89,280,330, G>C on the plus strand (C>G on the coding strand, the complement: ANKRD11 is on the minus strand). VCF-style: chr16-89280330-G-C. GRCh37 (hg19) VCF-style: chr16-89346738-G-C.
Other names: c.6212C>G, p.Ser2071Ter (NM_001256182.2, NM_001256183.2); short protein forms S2071*.
Identifiers: ClinVar variation 375613 (VCV000375613.5), dbSNP rs763407068, ClinGen allele CA16044381.

ClinVar aggregate classification (germline): Pathogenic. Review status: criteria provided, multiple submitters, no conflicts (2 of 4 stars). 3 submissions from 3 submitters: Pathogenic (2). 1 of the submissions does not count toward it. Last evaluated 2023-04-06.

Conditions:
ANKRD11-related disorder. Also called: ANKRD11-related condition.
KBG syndrome (KBGS). Also called: ANKRD11-Related KBG Syndrome. Identifiers: Orphanet 2332, MedGen C0220687, MONDO:0007846, OMIM 148050.

Submissions (3):

Blueprint Genetics
Classification: Pathogenic for ANKRD11-related disorders. Last evaluated: 2023-04-06. Review status: criteria provided, single submitter. Criteria: ACMG Guidelines, 2015. Collection method: clinical testing. Allele origin: germline. Affected: yes. Observed: 1 variant allele.

Center of Genomic medicine, Geneva, University Hospital of Geneva
Classification: Pathogenic for KBG syndrome. Last evaluated: 2016-09-21. Review status: criteria provided, single submitter. Criteria: ACMG Guidelines, 2015. Collection method: clinical testing. Allele origin: de novo. Affected: yes.

Centre de Biologie Pathologie Génétique, Centre Hospitalier Universitaire de Lille
Classification: Pathogenic for KBG syndrome. Review status: no assertion criteria provided. Collection method: clinical testing. Allele origin: de novo. Inheritance: Autosomal dominant inheritance. Affected: yes. Observed: 1 variant allele, 1 heterozygote. Not counted in ClinVar's aggregate classification.